The following is an entry in ClinVar:

NM_000231.3(SGCG):c.730_732delinsAGCAT (p.Leu244fs)

Gene: SGCG (sarcoglycan gamma; plus strand). Cytogenetic location: 13q12.12.
Variant type: Indel.
Coding change: c.730_732delinsAGCAT on transcript NM_000231.3 (MANE Select); coding-DNA positions 730 to 732, TTA replaced by AGCAT.
Protein change: p.Leu244fs; shifts the reading frame from leucine 244.
Molecular consequence: frameshift variant.
Genome position (GRCh38, 1-based): chr13:23,324,395-23,324,397, TTA replaced by AGCAT. VCF-style: chr13-23324395-TTA-AGCAT. GRCh37 (hg19) VCF-style: chr13-23898534-TTA-AGCAT.
Other names: c.784_786delinsAGCAT, p.Leu262fs (NM_001378244.1); c.730_732delinsAGCAT, p.Leu244fs (NM_001378245.1, NM_001378246.1); short protein forms L244fs, L262fs.
Identifiers: ClinVar variation 965579 (VCV000965579.6), dbSNP rs1883154291, ClinGen allele CA1139663012.

ClinVar aggregate classification (germline): Pathogenic (1 of 4 stars; one submission).

Conditions:
Autosomal recessive limb-girdle muscular dystrophy type 2C (LGMDR5). Also called: MUSCULAR DYSTROPHY, DUCHENNE-LIKE; MUSCULAR DYSTROPHY, LIMB-GIRDLE, AUTOSOMAL RECESSIVE 5. Identifiers: Orphanet 353, MedGen C0410173, MONDO:0009677, OMIM 253700. Disease mechanism: Affects gamma-sarcoglycan and also disrupts the integrity of the entire sarcoglycan complex..

Submission:

Labcorp Genetics (formerly Invitae), Labcorp
Classification: Pathogenic for Autosomal recessive limb-girdle muscular dystrophy type 2C. Last evaluated: 2019-11-05. Review status: criteria provided, single submitter. Criteria: Invitae Variant Classification Sherloc (09022015). Collection method: clinical testing. Allele origin: germline.
Comment: This variant disrupts the C-terminus of the SGCG protein. Other variant(s) that disrupt this region (p.Thr251Serfs*29) have been determined to be pathogenic (Invitae). This suggests that variants that disrupt this region of the protein are likely to be causative of disease. This sequence change results in a premature translational stop signal in the SGCG gene (p.Leu244Serfs*37). While this is not anticipated to result in nonsense mediated decay, it is expected to disrupt the last 48 amino acids of the SGCG protein. This variant is not present in population databases (ExAC no frequency). This variant has not been reported in the literature in individuals with SGCG-related conditions. For these reasons, this variant has been classified as Pathogenic.